The following is an entry in ClinVar:

NM_000548.5(TSC2):c.558C>A (p.Phe186Leu)

Gene: TSC2 (TSC complex subunit 2; plus strand). Cytogenetic location: 16p13.3.
Variant type: single nucleotide variant.
Coding change: c.558C>A on transcript NM_000548.5 (MANE Select); coding-DNA position 558, C replaced by A.
Protein change: p.Phe186Leu; replaces phenylalanine 186 with leucine.
Molecular consequence: missense variant. On other transcripts: intron variant (1).
Genome position (GRCh38, 1-based): chr16:2,055,478, C>A. VCF-style: chr16-2055478-C-A. GRCh37 (hg19) VCF-style: chr16-2105479-C-A.
Other names: c.558C>A, p.Phe186Leu (NM_001077183.3, NM_001114382.3, NM_001363528.2 and 3 more transcripts); c.447C>A, p.Phe149Leu (NM_001318827.2); c.411C>A, p.Phe137Leu (NM_001318829.2); c.591C>A, p.Phe197Leu (NM_001318832.2); c.558C>A (NM_000548.3); c.-1-718C>A (NM_001318831.2); short protein forms F137L, F149L, F186L, F197L.
Identifiers: ClinVar variation 1021704 (VCV001021704.9), dbSNP rs775642056, ClinGen allele CA394309549.
Genomic context (GRCh38, chr16:2,055,478, plus strand): 5'-GTGGATGGATGTTGGCTTGTCCTCGGAATTCCTTCTGGTGCTGGTGAACTTGGTCAAATT[C>A]AATAGCTGTTACCTCGACGAGTACATCGCAAGGATGGTTCAGTAAGAAAAGAATTGAGAT-3'
Protein context (NP_000539.2, residues 176-196): FLLVLVNLVK[Phe186Leu]NSCYLDEYIA

ClinVar aggregate classification (germline): Uncertain significance. Review status: criteria provided, multiple submitters, no conflicts (2 of 4 stars). 2 submissions from 2 submitters: Uncertain significance (2). Last evaluated 2024-07-17.

Conditions:
Tuberous sclerosis 2 (TSC2). Identifiers: Orphanet 805, MedGen C1860707, MONDO:0013199, OMIM 613254.
Hereditary cancer-predisposing syndrome. Also called: Hereditary neoplastic syndrome; Neoplastic Syndromes, Hereditary; Tumor predisposition; Hereditary Cancer Syndrome. Identifiers: Orphanet 140162, MedGen C0027672, MeSH D009386, MONDO:0015356.

gnomAD v4.1: 1 of 1,614,176 alleles (0.000062%); highest among the groups gnomAD compares: Non-Finnish European, 0.000085%; no homozygotes.

Submissions (2):

Ambry Genetics
Classification: Uncertain significance for Hereditary cancer-predisposing syndrome. Last evaluated: 2024-07-17. Review status: criteria provided, single submitter. Criteria: Ambry Variant Classification Scheme 2023. Collection method: clinical testing. Allele origin: germline.
Comment: The p.F186L variant (also known as c.558C>A), located in coding exon 5 of the TSC2 gene, results from a C to A substitution at nucleotide position 558. The phenylalanine at codon 186 is replaced by leucine, an amino acid with highly similar properties. This amino acid position is conserved. In addition, the in silico prediction for this alteration is inconclusive. Based on the available evidence, the clinical significance of this variant remains unclear.

Labcorp Genetics (formerly Invitae), Labcorp
Classification: Uncertain significance for Tuberous sclerosis 2. Last evaluated: 2022-10-17. Review status: criteria provided, single submitter. Criteria: Invitae Variant Classification Sherloc (09022015). Collection method: clinical testing. Allele origin: germline.
Comment: This sequence change replaces phenylalanine, which is neutral and non-polar, with leucine, which is neutral and non-polar, at codon 186 of the TSC2 protein (p.Phe186Leu). This variant is not present in population databases (gnomAD no frequency). This variant has not been reported in the literature in individuals affected with TSC2-related conditions. ClinVar contains an entry for this variant (Variation ID: 1021704). Advanced modeling of protein sequence and biophysical properties (such as structural, functional, and spatial information, amino acid conservation, physicochemical variation, residue mobility, and thermodynamic stability) performed at Invitae indicates that this missense variant is not expected to disrupt TSC2 protein function. In summary, the available evidence is currently insufficient to determine the role of this variant in disease. Therefore, it has been classified as a Variant of Uncertain Significance.